The following is an entry in ClinVar:

NM_014727.3(KMT2B):c.3140G>A (p.Arg1047Gln)

Gene: KMT2B (lysine methyltransferase 2B; plus strand). Cytogenetic location: 19q13.12.
Variant type: single nucleotide variant.
Coding change: c.3140G>A on transcript NM_014727.3 (MANE Select); coding-DNA position 3140, G replaced by A.
Protein change: p.Arg1047Gln; replaces arginine 1047 with glutamine.
Molecular consequence: missense variant.
Genome position (GRCh38, 1-based): chr19:35,723,813, G>A. VCF-style: chr19-35723813-G-A. GRCh37 (hg19) VCF-style: chr19-36214714-G-A.
Other names: c.3140G>A (NM_014727.1); short protein forms R1047Q.
Identifiers: ClinVar variation 2908076 (VCV002908076.4), dbSNP rs774265693, ClinGen allele CA9384665.
Genomic context (GRCh38, chr19:35,723,813, plus strand): 5'-TGTTGCCCTGGGATTCCGATGAATCTCCTGAGGCCTCCCCTGGTCCTCCAGGCCCACGCC[G>A]GGGGGCGGGAGCTGGGGGGCCCCGGGAGGAGGTGGTGGCCCACCCAGGGCCCGAGGAGCA-3'
Protein context (NP_055542.1, residues 1037-1057): EASPGPPGPR[Arg1047Gln]GAGAGGPREE

ClinVar aggregate classification (germline): Conflicting classifications of pathogenicity. Review status: criteria provided, conflicting classifications (1 of 4 stars). 2 submissions from 2 submitters: Uncertain significance (1); Likely benign (1). Last evaluated 2024-10-22.

Conditions:
Inborn genetic diseases. Identifiers: MedGen C0950123, MeSH D030342.

Allele frequency attached by ClinVar (database versions not stated): TOPMed below 0.00001; gnomAD 0.00001; gnomAD exomes 0.00001; ExAC 0.00006.
gnomAD v4.1: 12 of 1,591,568 alleles (0.00075%); highest among the groups gnomAD compares: African/African-American, 0.0027%; no homozygotes.

Submissions (2):

Labcorp Genetics (formerly Invitae), Labcorp
Classification: Uncertain significance. Last evaluated: 2024-10-22. Review status: criteria provided, single submitter. Criteria: Invitae Variant Classification Sherloc (09022015). Collection method: clinical testing. Allele origin: germline.
Comment: This sequence change replaces arginine, which is basic and polar, with glutamine, which is neutral and polar, at codon 1047 of the KMT2B protein (p.Arg1047Gln). This variant is present in population databases (rs774265693, gnomAD 0.004%). This variant has not been reported in the literature in individuals affected with KMT2B-related conditions. Invitae Evidence Modeling of protein sequence and biophysical properties (such as structural, functional, and spatial information, amino acid conservation, physicochemical variation, residue mobility, and thermodynamic stability) indicates that this missense variant is not expected to disrupt KMT2B protein function with a negative predictive value of 80%. In summary, the available evidence is currently insufficient to determine the role of this variant in disease. Therefore, it has been classified as a Variant of Uncertain Significance.

Ambry Genetics
Classification: Likely benign for Inborn genetic diseases. Last evaluated: 2024-04-15. Review status: criteria provided, single submitter. Criteria: Ambry Variant Classification Scheme 2023. Collection method: clinical testing. Allele origin: germline.